The following is an entry in ClinVar:

ClinVar aggregate classification (germline): Likely benign (1 of 4 stars; one submission).

Allele frequency attached by ClinVar (database versions not stated): gnomAD 0.00001; ExAC 0.00003.
gnomAD v4.1: 19 of 1,613,872 alleles (0.0012%); highest among the groups gnomAD compares: East Asian, 0.0022%; no homozygotes.

Submission:

CeGaT Center for Human Genetics Tuebingen
Classification: Likely benign. Last evaluated: 2022-05-01. Review status: criteria provided, single submitter. Criteria: CeGaT Center For Human Genetics Tuebingen Variant Classification Criteria Version 2. Collection method: clinical testing. Allele origin: germline. Affected: yes. Observed: 1 variant allele.
Comment: ZFHX3: BP4, BP7

NM_006885.4(ZFHX3):c.10974C>T (p.Asp3658=)

Genes: ZFHX3 (zinc finger homeobox 3; minus strand), ZFHX3-AS1 (ZFHX3 antisense RNA 1; plus strand). Cytogenetic location: 16q22.2.
Variant type: single nucleotide variant.
Coding change: c.10974C>T on transcript NM_006885.4 (MANE Select); coding-DNA position 10974, C replaced by T.
Protein change: p.Asp3658=; no amino-acid change (aspartic acid 3658 retained).
Molecular consequence: synonymous variant. On other transcripts: non-coding transcript variant (1).
Genome position (GRCh38, 1-based): chr16:72,787,302, G>A on the plus strand (C>T on the coding strand, the complement: ZFHX3 is on the minus strand). VCF-style: chr16-72787302-G-A. GRCh37 (hg19) VCF-style: chr16-72821201-G-A.
Other names: c.8232C>T, p.Asp2744= (NM_001164766.2); c.10974C>T, p.Asp3658= (NM_001386735.1).
Identifiers: ClinVar variation 2646810 (VCV002646810.24), dbSNP rs769344872, ClinGen allele CA8162234.
Genomic context (GRCh38, chr16:72,787,302, plus strand): 5'-CGGGCTCGCCGGTCCGTCGGACTTTTGGCTGAGATCCGTGTCAGACTCCTCCGAATAGTC[G>A]TCTGTTGGCATCGAGGGCTGAACCCCTGAGGTGCTGCATGAACTTGAGGTAACCGTTGAA-3'
Protein context (NP_008816.3, residues 3648-3668): TSGVQPSMPT[Asp3658=]DYSEESDTDL